The following is an entry in ClinVar:

NM_005909.5(MAP1B):c.17T>C (p.Val6Ala)

Gene: MAP1B (microtubule associated protein 1B; plus strand). Cytogenetic location: 5q13.2.
Variant type: single nucleotide variant.
Coding change: c.17T>C on transcript NM_005909.5 (MANE Select); coding-DNA position 17, T replaced by C.
Protein change: p.Val6Ala; replaces valine 6 with alanine.
Molecular consequence: missense variant.
Genome position (GRCh38, 1-based): chr5:72,107,548, T>C. VCF-style: chr5-72107548-T-C. GRCh37 (hg19) VCF-style: chr5-71403375-T-C.
Other names: short protein forms V6A.
Identifiers: ClinVar variation 1699598 (VCV001699598.2), dbSNP rs1195268155, ClinGen allele CA359985374.

ClinVar aggregate classification (germline): Uncertain significance (1 of 4 stars; one submission).

Allele frequency attached by ClinVar (database versions not stated): gnomAD 0.00001; TOPMed 0.00001.

Submission:

GeneDx
Classification: Uncertain significance. Last evaluated: 2022-01-28. Review status: criteria provided, single submitter. Criteria: GeneDx Variant Classification Process June 2021. Collection method: clinical testing. Allele origin: germline. Affected: yes.
Comment: Not observed at significant frequency in large population cohorts (gnomAD); In silico analysis supports that this missense variant does not alter protein structure/function; Has not been previously published as pathogenic or benign to our knowledge